The following is an entry in ClinVar:

NM_001371986.1(UNC80):c.1078C>T (p.Arg360Ter)

Gene: UNC80 (unc-80 subunit of NALCN channel complex; plus strand). Cytogenetic location: 2q34.
Variant type: single nucleotide variant.
Coding change: c.1078C>T on transcript NM_001371986.1 (MANE Select); coding-DNA position 1078, C replaced by T.
Protein change: p.Arg360Ter; replaces arginine 360 with a stop codon.
Molecular consequence: nonsense.
Genome position (GRCh38, 1-based): chr2:209,813,719, C>T. VCF-style: chr2-209813719-C-T. GRCh37 (hg19) VCF-style: chr2-210678443-C-T.
Other names: c.1078C>T, p.Arg360Ter (NM_032504.2, NM_182587.4); short protein forms R360*.
Identifiers: ClinVar variation 219189 (VCV000219189.10), dbSNP rs200659479, ClinGen allele CA251349.

ClinVar aggregate classification (germline): Pathogenic/Likely pathogenic. Review status: criteria provided, multiple submitters, no conflicts (2 of 4 stars). 6 submissions from 6 submitters: Pathogenic (3); Likely pathogenic (1). 2 of the submissions do not count toward it. Last evaluated 2023-02-13.

Conditions:
UNC80-related disorder. Also called: UNC80-related condition.
Hypotonia, infantile, with psychomotor retardation and characteristic facies 2 (IHPRF2). Also called: UNC80 Deficiency. Identifiers: Orphanet 371364, Orphanet 700333, MedGen C4225203, MONDO:0014777, OMIM 616801.
Encephalopathy. Also called: Unspecified encephalopathy. Identifiers: MedGen C0085584, HP:0001298.

Allele frequency attached by ClinVar (database versions not stated): TOPMed below 0.00001; gnomAD 0.00001.
gnomAD v4.1: 6 of 1,551,580 alleles (0.00039%); highest among the groups gnomAD compares: African/African-American, 0.0014%; no homozygotes.

Submissions (6):

PreventionGenetics, part of Exact Sciences
Classification: Pathogenic for UNC80-related condition. Last evaluated: 2023-02-13. Review status: criteria provided, single submitter. Criteria: ACMG Guidelines, 2015. Collection method: clinical testing. Allele origin: germline.
Comment: The UNC80 c.1078C>T variant is predicted to result in premature protein termination (p.Arg360*). This variant was reported in the homozygous state to be causative for autosomal recessive infantile encephalopathy (Shamseldin et al. 2016. PubMed ID: 26708753; Supplementary material, Alfares et al. 2017. PubMed ID: 28454995). This variant is reported in 0.011% of alleles in individuals of African descent in gnomAD. Nonsense variants in UNC80 are expected to be pathogenic. This variant is interpreted as pathogenic.

Labcorp Genetics (formerly Invitae), Labcorp
Classification: Pathogenic. Last evaluated: 2023-01-26. Review status: criteria provided, single submitter. Criteria: Invitae Variant Classification Sherloc (09022015). Collection method: clinical testing. Allele origin: germline.
Comment: This sequence change creates a premature translational stop signal (p.Arg360*) in the UNC80 gene. It is expected to result in an absent or disrupted protein product. Loss-of-function variants in UNC80 are known to be pathogenic (PMID: 26545877, 26708751, 26708753). The frequency data for this variant in the population databases is considered unreliable, as metrics indicate poor data quality at this position in the gnomAD database. This premature translational stop signal has been observed in individual(s) with UNC80-related conditions (PMID: 26708753). ClinVar contains an entry for this variant (Variation ID: 219189). For these reasons, this variant has been classified as Pathogenic.

Revvity Omics, Revvity
Classification: Pathogenic for Hypotonia, infantile, with psychomotor retardation and characteristic facies 2. Last evaluated: 2019-06-21. Review status: criteria provided, single submitter. Criteria: ACMG Guidelines, 2015. Collection method: clinical testing. Allele origin: germline.

Genomic Medicine Center of Excellence, King Faisal Specialist Hospital and Research Centre
Classification: Likely pathogenic for Encephalopathy. Last evaluated: 2015-09-01. Review status: criteria provided, single submitter. Criteria: Submitter's publication. Collection method: research. Allele origin: germline. Affected: yes. Observed: 1 homozygote.

Biochemical Molecular Genetic Laboratory, King Abdulaziz Medical City
Classification: Likely pathogenic for Hypotonia, infantile, with psychomotor retardation and characteristic facies 2. Last evaluated: 2019-09-26. Review status: no assertion criteria provided. Collection method: clinical testing. Allele origin: germline. Affected: yes. Not counted in ClinVar's aggregate classification.

OMIM
Classification: Pathogenic for HYPOTONIA, INFANTILE, WITH PSYCHOMOTOR RETARDATION AND CHARACTERISTIC FACIES 2. Last evaluated: 2016-01-07. Review status: no assertion criteria provided. Collection method: literature only. Allele origin: germline. Not counted in ClinVar's aggregate classification.

Literature cited by the submitters: PubMed 26545877 (cited by Labcorp Genetics (formerly Invitae), Labcorp); PubMed 26708751 (cited by Labcorp Genetics (formerly Invitae), Labcorp); PubMed 26708753 (cited by Labcorp Genetics (formerly Invitae), Labcorp and OMIM).